The following is an entry in ClinVar:

NM_004612.4(TGFBR1):c.73_81del (p.Ala25_Leu27del)

Gene: TGFBR1 (transforming growth factor beta receptor 1; plus strand). Cytogenetic location: 9q22.33.
Variant type: Deletion.
Coding change: c.73_81del on transcript NM_004612.4 (MANE Select); coding-DNA positions 73 to 81, 9 bases deleted (GCGGCGCTG; older notation c.73_81delGCGGCGCTG).
Protein change: p.Ala25_Leu27del.
Molecular consequence: inframe deletion.
Genome position (GRCh38, 1-based): chr9:99,105,278-99,105,286, GCGGCGCTG deleted; deleting any 9 consecutive bases within chr9:99,105,277-99,105,286 gives the same sequence; the c. name uses the placement nearest the transcript's 3' end. VCF-style (leftmost placement, unchanged base first): chr9-99105276-CGGCGGCGCT-C. GRCh37 (hg19) VCF-style: chr9-101867558-CGGCGGCGCT-C.
Other names: c.73_81del, p.Ala25_Leu27del (NM_001130916.3, NM_001306210.2); c.73_81del9 (NM_004612.3).
Identifiers: ClinVar variation 1442902 (VCV001442902.7), dbSNP rs948905780, ClinGen allele CA196864813.

ClinVar aggregate classification (germline): Uncertain significance. Review status: criteria provided, multiple submitters, no conflicts (2 of 4 stars). 2 submissions from 2 submitters: Uncertain significance (2). Last evaluated 2026-06-16.

Conditions:
TGFBR1-related disorder. Also called: TGFBR1-related condition.
Familial thoracic aortic aneurysm and aortic dissection (TAAD). Also called: Thoracic aortic aneurysms and dissections. Identifiers: Orphanet 91387, MedGen C4707243, MONDO:0019625.

Submissions (2):

PreventionGenetics, part of Exact Sciences
Classification: Uncertain significance for TGFBR1-related condition. Last evaluated: 2026-06-16. Review status: criteria provided, single submitter. Criteria: ACMG Guidelines, 2015. Collection method: clinical testing. Allele origin: germline.
Comment: The TGFBR1 c.73_81del9 variant is predicted to result in an in-frame deletion (p.Ala25_Leu27del). To our knowledge, this variant has not been reported in the literature or in a large population database (gnomAD), indicating this variant is rare. At this time, the clinical significance of this variant is uncertain due to the absence of conclusive functional and genetic evidence.

Labcorp Genetics (formerly Invitae), Labcorp
Classification: Uncertain significance for Familial thoracic aortic aneurysm and aortic dissection. Last evaluated: 2026-01-07. Review status: criteria provided, single submitter. Criteria: Invitae Variant Classification Sherloc (09022015). Collection method: clinical testing. Allele origin: germline.
Comment: This variant, c.73_81del, results in the deletion of 3 amino acid(s) of the TGFBR1 protein (p.Ala25_Leu27del), but otherwise preserves the integrity of the reading frame. The frequency data for this variant in the population databases is considered unreliable, as metrics indicate insufficient coverage at this position in the gnomAD database. This variant has not been reported in the literature in individuals affected with TGFBR1-related conditions. ClinVar contains an entry for this variant (Variation ID: 1442902). Experimental studies and prediction algorithms are not available or were not evaluated, and the functional significance of this variant is currently unknown. In summary, the available evidence is currently insufficient to determine the role of this variant in disease. Therefore, it has been classified as a Variant of Uncertain Significance.